The following is an entry in ClinVar:

ClinVar aggregate classification (germline): Uncertain significance. Review status: criteria provided, multiple submitters, no conflicts (2 of 4 stars). 2 submissions from 2 submitters: Uncertain significance (2). Last evaluated 2025-08-20.

Allele frequency attached by ClinVar (database versions not stated): gnomAD exomes 0.00001.
gnomAD v4.1: 11 of 1,037,486 alleles (0.0011%); highest among the groups gnomAD compares: South Asian, 0.0043%; no homozygotes.

Submissions (2):

Labcorp Genetics (formerly Invitae), Labcorp
Classification: Uncertain significance. Last evaluated: 2025-08-20. Review status: criteria provided, single submitter. Criteria: Invitae Variant Classification Sherloc (09022015). Collection method: clinical testing. Allele origin: germline.
Comment: This sequence change replaces alanine, which is neutral and non-polar, with threonine, which is neutral and polar, at codon 1040 of the GRIN2D protein (p.Ala1040Thr). The frequency data for this variant in the population databases is considered unreliable, as metrics indicate insufficient coverage at this position in the gnomAD database. This variant has not been reported in the literature in individuals affected with GRIN2D-related conditions. ClinVar contains an entry for this variant (Variation ID: 1339641). Invitae Evidence Modeling of protein sequence and biophysical properties (such as structural, functional, and spatial information, amino acid conservation, physicochemical variation, residue mobility, and thermodynamic stability) indicates that this missense variant is not expected to disrupt GRIN2D protein function with a negative predictive value of 95%. In summary, the available evidence is currently insufficient to determine the role of this variant in disease. Therefore, it has been classified as a Variant of Uncertain Significance.

GeneDx
Classification: Uncertain significance. Last evaluated: 2021-08-01. Review status: criteria provided, single submitter. Criteria: GeneDx Variant Classification Process June 2021. Collection method: clinical testing. Allele origin: germline. Affected: yes.
Comment: Has not been previously published as pathogenic or benign to our knowledge; In silico analysis supports that this missense variant does not alter protein structure/function

NM_000836.4(GRIN2D):c.3118G>A (p.Ala1040Thr)

Gene: GRIN2D (glutamate ionotropic receptor NMDA type subunit 2D; plus strand). Cytogenetic location: 19q13.33.
Variant type: single nucleotide variant.
Coding change: c.3118G>A on transcript NM_000836.4 (MANE Select); coding-DNA position 3118, G replaced by A.
Protein change: p.Ala1040Thr; replaces alanine 1040 with threonine.
Molecular consequence: missense variant.
Genome position (GRCh38, 1-based): chr19:48,443,044, G>A. VCF-style: chr19-48443044-G-A. GRCh37 (hg19) VCF-style: chr19-48946301-G-A.
Other names: short protein forms A1040T.
Identifiers: ClinVar variation 1339641 (VCV001339641.3), dbSNP rs1193365490, ClinGen allele CA406674909.